The following is an entry in ClinVar:

ClinVar aggregate classification (germline): Uncertain significance. Review status: criteria provided, multiple submitters, no conflicts (2 of 4 stars). 2 submissions from 2 submitters: Uncertain significance (2). Last evaluated 2025-07-05.

Conditions:
Hereditary cancer-predisposing syndrome. Also called: Neoplastic Syndromes, Hereditary; Tumor predisposition; Hereditary Cancer Syndrome; Hereditary neoplastic syndrome. Identifiers: Orphanet 140162, MedGen C0027672, MeSH D009386, MONDO:0015356.
Hereditary nonpolyposis colorectal neoplasms. Identifiers: MedGen C0009405, MeSH D003123.

gnomAD v4.1: 1 of 1,614,134 alleles (0.000062%); highest among the groups gnomAD compares: Non-Finnish European, 0.000085%; no homozygotes.

Submissions (2):

Labcorp Genetics (formerly Invitae), Labcorp
Classification: Uncertain significance for Hereditary nonpolyposis colorectal neoplasms. Last evaluated: 2025-07-05. Review status: criteria provided, single submitter. Criteria: Invitae Variant Classification Sherloc (09022015). Collection method: clinical testing. Allele origin: germline.
Comment: This sequence change replaces threonine, which is neutral and polar, with isoleucine, which is neutral and non-polar, at codon 757 of the MSH6 protein (p.Thr757Ile). This variant is not present in population databases (gnomAD no frequency). This variant has not been reported in the literature in individuals affected with MSH6-related conditions. ClinVar contains an entry for this variant (Variation ID: 1000788). Invitae Evidence Modeling of protein sequence and biophysical properties (such as structural, functional, and spatial information, amino acid conservation, physicochemical variation, residue mobility, and thermodynamic stability) has been performed for this missense variant. However, the output from this modeling did not meet the statistical confidence thresholds required to predict the impact of this variant on MSH6 protein function. In summary, the available evidence is currently insufficient to determine the role of this variant in disease. Therefore, it has been classified as a Variant of Uncertain Significance.

Ambry Genetics
Classification: Uncertain significance for Hereditary cancer-predisposing syndrome. Last evaluated: 2024-12-30. Review status: criteria provided, single submitter. Criteria: Ambry Variant Classification Scheme 2023. Collection method: clinical testing. Allele origin: germline.
Comment: The p.T757I variant (also known as c.2270C>T), located in coding exon 4 of the MSH6 gene, results from a C to T substitution at nucleotide position 2270. The threonine at codon 757 is replaced by isoleucine, an amino acid with similar properties. This amino acid position is highly conserved in available vertebrate species. In addition, this alteration is predicted to be deleterious by in silico analysis. Based on the available evidence, the clinical significance of this variant remains unclear.

NM_000179.3(MSH6):c.2270C>T (p.Thr757Ile)

Gene: MSH6 (mutS homolog 6; plus strand). Cytogenetic location: 2p16.3.
Variant type: single nucleotide variant.
Coding change: c.2270C>T on transcript NM_000179.3 (MANE Select); coding-DNA position 2270, C replaced by T.
Protein change: p.Thr757Ile; replaces threonine 757 with isoleucine.
Molecular consequence: missense variant.
Genome position (GRCh38, 1-based): chr2:47,800,253, C>T. VCF-style: chr2-47800253-C-T. GRCh37 (hg19) VCF-style: chr2-48027392-C-T.
Other names: c.1880C>T, p.Thr627Ile (NM_001281492.2); c.1364C>T, p.Thr455Ile (NM_001281493.2, NM_001281494.2); short protein forms T455I, T627I, T757I.
Identifiers: ClinVar variation 1000788 (VCV001000788.12), dbSNP rs1553413648, ClinGen allele CA346752828.
Genomic context (GRCh38, chr2:47,800,253, plus strand): 5'-CAGTGACATTAAACAACTTGGAGATTTTTCTGAATGGAACAAATGGTTCTACTGAAGGAA[C>T]CCTACTAGAGAGGGTTGATACTTGCCATACTCCTTTTGGTAAGCGGCTCCTAAAGCAATG-3'
Protein context (NP_000170.1, residues 747-767): LNGTNGSTEG[Thr757Ile]LLERVDTCHT